The following is an entry in ClinVar:

NM_001374353.1(GLI2):c.1808C>T (p.Thr603Met)

Gene: GLI2 (GLI family zinc finger 2; plus strand). Cytogenetic location: 2q14.2.
Variant type: single nucleotide variant.
Coding change: c.1808C>T on transcript NM_001374353.1 (MANE Select); coding-DNA position 1808, C replaced by T.
Protein change: p.Thr603Met; replaces threonine 603 with methionine.
Molecular consequence: missense variant.
Genome position (GRCh38, 1-based): chr2:120,984,646, C>T. VCF-style: chr2-120984646-C-T. GRCh37 (hg19) VCF-style: chr2-121742222-C-T.
Other names: c.1859C>T, p.Thr620Met (NM_001371271.1, NM_005270.5); c.1433C>T, p.Thr478Met (NM_001374354.1); short protein forms T620M, T478M, T603M.
Identifiers: ClinVar variation 221952 (VCV000221952.36), dbSNP rs142775128, ClinGen allele CA071626.

ClinVar aggregate classification (germline): Conflicting classifications of pathogenicity. Review status: criteria provided, conflicting classifications (1 of 4 stars). 12 submissions from 12 submitters: Uncertain significance (1); Benign (4); Likely benign (5). 2 of the submissions do not count toward it. Last evaluated 2026-09-01.

Conditions:
Holoprosencephaly 9 (HPE9). Also called: HOLOPROSENCEPHALY WITH MICROPHTHALMIA AND FIRST BRANCHIAL ARCH ANOMALIES; PITUITARY ANOMALIES WITH HOLOPROSENCEPHALY-LIKE FEATURES. Identifiers: Orphanet 2162, MedGen C1835819, MONDO:0012563, OMIM 610829.
Postaxial polydactyly-anterior pituitary anomalies-facial dysmorphism syndrome. Also called: Culler-Jones syndrome. Identifiers: Orphanet 420584, MedGen C4014479, MONDO:0014369, OMIM 615849.
Anophthalmia-microphthalmia syndrome. Also called: Anophthalmia/Microphthalmia; Anophthalmia - microphthalmia. Identifiers: Orphanet 98555, MedGen C5680330, MONDO:0020147.
Bardet-Biedl syndrome (BBS). Identifiers: Orphanet 110, MedGen C0752166, MONDO:0015229.

Allele frequency attached by ClinVar (database versions not stated): ESP Exome Variant Server 0.00085; gnomAD 0.00099 and 0.00130; TOPMed 0.00104; 1000 Genomes Project 30x 0.00187; 1000 Genomes Project 0.00220; gnomAD exomes 0.00232; ExAC 0.00259.
gnomAD v4.1: 3,212 of 1,614,054 alleles (0.2%); highest among the groups gnomAD compares: South Asian, 1%; 22 homozygotes.

Submissions (12):

CeGaT Center for Human Genetics Tuebingen
Classification: Benign. Last evaluated: 2026-09-01. Review status: criteria provided, single submitter. Criteria: CeGaT Center For Human Genetics Tuebingen Variant Classification Criteria Version 2. Collection method: clinical testing. Allele origin: germline. Affected: yes. Observed: 3 variant alleles.
Comment: GLI2: BP4, BS1, BS2

Women's Health and Genetics/Laboratory Corporation of America, LabCorp
Classification: Likely benign. Last evaluated: 2026-05-12. Review status: criteria provided, single submitter. Criteria: LabCorp Variant Classification Summary - May 2015. Collection method: clinical testing. Allele origin: germline.

Labcorp Genetics (formerly Invitae), Labcorp
Classification: Benign for Postaxial polydactyly-anterior pituitary anomalies-facial dysmorphism syndrome; Holoprosencephaly 9. Last evaluated: 2026-01-24. Review status: criteria provided, single submitter. Criteria: Invitae Variant Classification Sherloc (09022015). Collection method: clinical testing. Allele origin: germline.

Blueprint Genetics
Classification: Likely benign. Last evaluated: 2024-11-21. Review status: criteria provided, single submitter. Criteria: ACMG Guidelines, 2015. Collection method: clinical testing. Allele origin: germline.

GeneDx
Classification: Likely benign. Last evaluated: 2021-02-19. Review status: criteria provided, single submitter. Criteria: GeneDx Variant Classification Process June 2021. Collection method: clinical testing. Allele origin: germline. Affected: yes.
Comment: This variant is associated with the following publications: (PMID: 26893459)

Illumina Laboratory Services, Illumina
Classification: Benign for Holoprosencephaly 9. Last evaluated: 2018-01-13. Review status: criteria provided, single submitter. Criteria: ICSL Variant Classification Criteria 13 December 2019. Collection method: clinical testing. Allele origin: germline.
Comment: This variant was observed in the ICSL laboratory as part of a predisposition screen in an ostensibly healthy population. It had not been previously curated by ICSL or reported in the Human Gene Mutation Database (HGMD: prior to June 1st, 2018), and was therefore a candidate for classification through an automated scoring system. Utilizing variant allele frequency, disease prevalence and penetrance estimates, and inheritance mode, an automated score was calculated to assess if this variant is too frequent to cause the disease. Based on the score and internal cut-off values, a variant classified as benign is not then subjected to further curation. The score for this variant resulted in a classification of benign for this disease.

Eurofins Ntd Llc (ga)
Classification: Benign. Last evaluated: 2015-07-21. Review status: criteria provided, single submitter. Criteria: EGL Classification Definitions 2015. Collection method: clinical testing. Allele origin: germline. Observed: 1 variant allele, 1 heterozygote.

Paul Sabatier University EA-4555, Paul Sabatier University
Classification: Likely benign. Last evaluated: 2013-01-01. Review status: criteria provided, single submitter. Criteria: Chassaing et al. (Genome Res. 2016). Collection method: clinical testing. Allele origin: unknown. Affected: yes. Observed: 1 heterozygote.

Breakthrough Genomics
Classification: Likely benign. Review status: criteria provided, single submitter. Criteria: ACMG Guidelines, 2015. Collection method: not provided. Allele origin: germline. Inheritance: Autosomal dominant inheritance. Affected: yes.

SN ONGC Dept of Genetics and Molecular biology Vision Research Foundation
Classification: Uncertain significance for Bardet-Biedl syndrome. Review status: criteria provided, single submitter. Criteria: ACMG Guidelines, 2015. Collection method: research. Allele origin: biparental. Affected: yes. Observed: 1 heterozygote.
Comment: This variant was observed in digenic inheritance with the variant NC_000022.10:g.19951782_19951783insT.

Clinical Genetics DNA and cytogenetics Diagnostics Lab, Erasmus MC, Erasmus Medical Center
Classification: Benign. Review status: no assertion criteria provided. Collection method: clinical testing. Allele origin: germline. Affected: yes. Study: VKGL Data-share Consensus. Not counted in ClinVar's aggregate classification.

Clinical Genetics, Academic Medical Center
Classification: Benign. Review status: no assertion criteria provided. Collection method: clinical testing. Allele origin: germline. Affected: yes. Study: VKGL Data-share Consensus. Not counted in ClinVar's aggregate classification.